The following is an entry in ClinVar:

NM_003978.5(PSTPIP1):c.-436G>A

Genes: PSTPIP1 (proline-serine-threonine phosphatase interacting protein 1; plus strand), LOC130057651 (ATAC-STARR-seq lymphoblastoid silent region 6694; plus strand). Cytogenetic location: 15q24.3.
Variant type: single nucleotide variant.
Coding change: c.-436G>A on transcript NM_003978.5 (MANE Select); 436 bases upstream of the start codon, G replaced by A.
Molecular consequence: 5 prime UTR variant. On other transcripts: non-coding transcript variant (1), intron variant (1).
Genome position (GRCh38, 1-based): chr15:76,995,138, G>A. VCF-style: chr15-76995138-G-A. GRCh37 (hg19) VCF-style: chr15-77287479-G-A.
Other names: c.-436G>A (NM_001321135.2); c.-682G>A (NM_001321136.2); c.27-267G>A (NM_001321137.1).
Identifiers: ClinVar variation 317162 (VCV000317162.5), dbSNP rs548828496, ClinGen allele CA10646617.
Genomic context (GRCh38, chr15:76,995,138, plus strand): 5'-CACTTCCTGTGGGCGAGGGCCCTGTGCCTGCCCCGGGGGAGGTTGCACAAACCTTCCTGC[G>A]CAGGCCTCGGGCTGCCTGCCTGCCTGCCTGCCTGGCCCGGCCCGAGCTCCAGCCTGCCTC-3'

ClinVar aggregate classification (germline): Benign (1 of 4 stars; one submission).

Conditions:
Pyogenic arthritis-pyoderma gangrenosum-acne syndrome (PAPA). Also called: FAMILIAL RECURRENT ARTHRITIS; PAPA SYNDROME. Identifiers: Orphanet 69126, MedGen C1858361, MONDO:0011462, OMIM 604416.

Allele frequency attached by ClinVar (database versions not stated): TOPMed 0.00024; 1000 Genomes Project 30x 0.00047; 1000 Genomes Project 0.00060.
gnomAD v4.1: 498 of 1,128,386 alleles (0.044%); highest among the groups gnomAD compares: South Asian, 0.32%; 2 homozygotes.

Submission:

Illumina Laboratory Services, Illumina
Classification: Benign for Pyogenic arthritis-pyoderma gangrenosum-acne syndrome. Last evaluated: 2018-01-12. Review status: criteria provided, single submitter. Criteria: ICSL Variant Classification Criteria 13 December 2019. Collection method: clinical testing. Allele origin: germline.
Comment: This variant was observed in the ICSL laboratory as part of a predisposition screen in an ostensibly healthy population. It had not been previously curated by ICSL or reported in the Human Gene Mutation Database (HGMD: prior to June 1st, 2018), and was therefore a candidate for classification through an automated scoring system. Utilizing variant allele frequency, disease prevalence and penetrance estimates, and inheritance mode, an automated score was calculated to assess if this variant is too frequent to cause the disease. Based on the score and internal cut-off values, a variant classified as benign is not then subjected to further curation. The score for this variant resulted in a classification of benign for this disease.